The following is an entry in ClinVar:

NM_001163435.3(TBCK):c.1151C>T (p.Ser384Leu)

Gene: TBCK (TBC1 domain containing kinase; minus strand). Cytogenetic location: 4q24.
Variant type: single nucleotide variant.
Coding change: c.1151C>T on transcript NM_001163435.3 (MANE Select); coding-DNA position 1151, C replaced by T.
Protein change: p.Ser384Leu; replaces serine 384 with leucine.
Molecular consequence: missense variant.
Genome position (GRCh38, 1-based): chr4:106,242,489, G>A on the plus strand (C>T on the coding strand, the complement: TBCK is on the minus strand). VCF-style: chr4-106242489-G-A. GRCh37 (hg19) VCF-style: chr4-107163646-G-A.
Other names: c.1151C>T, p.Ser384Leu (NM_001163436.4); c.1034C>T, p.Ser345Leu (NM_001163437.3); c.635C>T, p.Ser212Leu (NM_001290768.2); c.962C>T, p.Ser321Leu (NM_033115.5); c.1151C>T (NM_001163435.1); short protein forms S212L, S321L, S345L, S384L.
Identifiers: ClinVar variation 2430638 (VCV002430638.2), dbSNP rs1454125398, ClinGen allele CA357823574.

ClinVar aggregate classification (germline): Uncertain significance. Review status: criteria provided, multiple submitters, no conflicts (2 of 4 stars). 2 submissions from 2 submitters: Uncertain significance (2). Last evaluated 2025-08-21.

Conditions:
Inborn genetic diseases. Identifiers: MedGen C0950123, MeSH D030342.

Allele frequency attached by ClinVar (database versions not stated): gnomAD exomes 0.00001.

Submissions (2):

Ambry Genetics
Classification: Uncertain significance for Inborn genetic diseases. Last evaluated: 2025-08-21. Review status: criteria provided, single submitter. Criteria: Ambry Variant Classification Scheme 2023. Collection method: clinical testing. Allele origin: germline.

GeneDx
Classification: Uncertain significance. Last evaluated: 2023-01-17. Review status: criteria provided, single submitter. Criteria: GeneDx Variant Classification Process June 2021. Collection method: clinical testing. Allele origin: germline. Affected: yes.
Comment: Not observed at significant frequency in large population cohorts (gnomAD); In silico analysis supports that this missense variant has a deleterious effect on protein structure/function; Has not been previously published as pathogenic or benign to our knowledge; In silico analysis is inconclusive as to whether the variant alters gene splicing. In the absence of RNA/functional studies, the actual effect of this sequence change is unknown.